The following is an entry in ClinVar:

ClinVar aggregate classification (germline): Likely benign (1 of 4 stars; one submission).

Conditions:
USH2A-related disorder. Also called: USH2A-related condition; USH2A-related disorders. Identifiers: MedGen CN239332.

gnomAD v4.1: 7 of 152,252 alleles (0.0046%); highest among the groups gnomAD compares: East Asian, 0.019%; no homozygotes.

Submission:

PreventionGenetics, part of Exact Sciences
Classification: Likely benign for USH2A-related condition. Last evaluated: 2025-01-22. Review status: criteria provided, single submitter. Criteria: ACMG Guidelines, 2015. Collection method: clinical testing. Allele origin: germline.
Comment: This variant is classified as likely benign based on ACMG/AMP sequence variant interpretation guidelines (Richards et al. 2015 PMID: 25741868, with internal and published modifications).

NM_206933.4(USH2A):c.9959-4167C>T

Gene: USH2A (usherin; minus strand). Cytogenetic location: 1q41.
Variant type: single nucleotide variant.
Coding change: c.9959-4167C>T on transcript NM_206933.4 (MANE Select); 4167 bases into the intron before coding-DNA position 9959, C replaced by T.
Molecular consequence: intron variant.
Genome position (GRCh38, 1-based): chr1:215,794,449, G>A on the plus strand (C>T on the coding strand, the complement: USH2A is on the minus strand). VCF-style: chr1-215794449-G-A. GRCh37 (hg19) VCF-style: chr1-215967791-G-A.
Identifiers: ClinVar variation 4986939 (VCV004986939.1).